The following is an entry in ClinVar:

ClinVar aggregate classification (germline): Uncertain significance (1 of 4 stars; one submission).

Allele frequency attached by ClinVar (database versions not stated): gnomAD 0.00001; TOPMed 0.00001; ExAC 0.00002.
gnomAD v4.1: 7 of 1,614,086 alleles (0.00043%); highest among the groups gnomAD compares: Non-Finnish European, 0.00051%; no homozygotes.

Submission:

CeGaT Center for Human Genetics Tuebingen
Classification: Uncertain significance. Last evaluated: 2022-11-01. Review status: criteria provided, single submitter. Criteria: CeGaT Center For Human Genetics Tuebingen Variant Classification Criteria Version 2. Collection method: clinical testing. Allele origin: germline. Affected: yes. Observed: 1 variant allele.
Comment: C19orf12: PM2, BP4

NM_031448.6(C19orf12):c.200G>A (p.Ser67Asn)

Gene: C19orf12 (chromosome 19 open reading frame 12; minus strand). Cytogenetic location: 19q12.
Variant type: single nucleotide variant.
Coding change: c.200G>A on transcript NM_031448.6 (MANE Select); coding-DNA position 200, G replaced by A.
Protein change: p.Ser67Asn; replaces serine 67 with asparagine.
Molecular consequence: missense variant.
Genome position (GRCh38, 1-based): chr19:29,702,938, C>T on the plus strand (G>A on the coding strand, the complement: C19orf12 is on the minus strand). VCF-style: chr19-29702938-C-T. GRCh37 (hg19) VCF-style: chr19-30193845-C-T.
Other names: c.200G>A, p.Ser67Asn (NM_001031726.4, NM_001256046.3, NM_001256047.2); c.8G>A, p.Ser3Asn (NM_001282929.1, NM_001282930.3, NM_001282931.3); short protein forms S3N, S67N.
Identifiers: ClinVar variation 1879429 (VCV001879429.29), dbSNP rs775454444, ClinGen allele CA9351915.